The following is an entry in ClinVar:

NM_001278116.2(L1CAM):c.3271_3300del (p.Phe1091_Met1100del)

Gene: L1CAM (L1 cell adhesion molecule; minus strand). Cytogenetic location: Xq28.
Variant type: Deletion.
Coding change: c.3271_3300del on transcript NM_001278116.2 (MANE Select); coding-DNA positions 3271 to 3300, 30 bases deleted (TTTAAGGAGAGGATGTTCCGGCACCAAATG).
Protein change: p.Phe1091_Met1100del.
Molecular consequence: inframe deletion.
Genome position (GRCh38, 1-based): chrX:153,864,344-153,864,373, CATTTGGTGCCGGAACATCCTCTCCTTAAA deleted on the plus strand (TTTAAGGAGAGGATGTTCCGGCACCAAATG on the coding strand, the reverse complement: L1CAM is on the minus strand); deleting any 30 consecutive bases within chrX:153,864,344-153,864,375 gives the same sequence; the c. name uses the placement nearest the transcript's 3' end. VCF-style (leftmost placement, unchanged base first): chrX-153864343-CCATTTGGTGCCGGAACATCCTCTCCTTAAA-C. GRCh37 (hg19) VCF-style: chrX-153129798-CCATTTGGTGCCGGAACATCCTCTCCTTAAA-C.
Other names: c.3271_3300del, p.Phe1091_Met1100del (NM_000425.5, NM_024003.3); c.3256_3285del, p.Phe1086_Met1095del (NM_001143963.2).
Identifiers: ClinVar variation 3382426 (VCV003382426.2).

ClinVar aggregate classification (germline): Uncertain significance (1 of 4 stars; one submission).

Conditions:
MASA syndrome. Also called: CRASH syndrome; ADDUCTED THUMB WITH MENTAL RETARDATION; CLASPED THUMB AND MENTAL RETARDATION; GAREIS-MASON SYNDROME; MENTAL RETARDATION, APHASIA, SHUFFLING GAIT, AND ADDUCTED THUMBS; SPASTIC PARAPLEGIA 1, X-LINKED. Identifiers: Orphanet 2466, MedGen C0795953, MONDO:0010559, OMIM 303350.
X-linked hydrocephalus syndrome (HYCX). Also called: X-Linked Hydrocephalus with Stenosis of the Aqueduct of Sylvius; AQUEDUCTAL STENOSIS, X-LINKED; HYDROCEPHALUS, CONGENITAL, X-LINKED; X-linked hydrocephalus; X-Linked Hydrocephalus with Stenosis of the Aqueduct of Sylvius (HSAS). Identifiers: Orphanet 2182, MedGen C0265216, MONDO:0010611, OMIM 307000.
X-linked complicated corpus callosum dysgenesis. Also called: X-Linked Complicated Corpus Callosum Agenesis. Identifiers: Orphanet 1497, MedGen C1839909, MONDO:0010569, OMIM 304100.

Submission:

Juno Genomics, Hangzhou Juno Genomics, Inc
Classification: Uncertain significance for X-linked complicated corpus callosum dysgenesis; X-linked hydrocephalus syndrome; MASA syndrome. Review status: criteria provided, single submitter. Criteria: ACMG Guidelines, 2015. Collection method: clinical testing. Allele origin: germline. Affected: yes.
Comment: Protein length changes due to in-frame deletions/insertions in a non-repeat region or stop-loss variants.;Absent from controls (or at extremely low frequency if recessive) in Genome Aggregation Database, Exome Sequencing Project, 1000 Genomes Project, or Exome Aggregation Consortium.;Patient's phenotype or family history is highly specific for a disease with a single genetic etiology.